The following is an entry in ClinVar:

NM_004990.4(MARS1):c.1210G>A (p.Val404Met)

Gene: MARS1 (methionyl-tRNA synthetase 1; plus strand). Cytogenetic location: 12q13.3.
Variant type: single nucleotide variant.
Coding change: c.1210G>A on transcript NM_004990.4 (MANE Select); coding-DNA position 1210, G replaced by A.
Protein change: p.Val404Met; replaces valine 404 with methionine.
Molecular consequence: missense variant.
Genome position (GRCh38, 1-based): chr12:57,500,439, G>A. VCF-style: chr12-57500439-G-A. GRCh37 (hg19) VCF-style: chr12-57894222-G-A.
Other names: c.1210G>A (NM_004990.3); short protein forms V404M.
Identifiers: ClinVar variation 444299 (VCV000444299.49), dbSNP rs370559405, ClinGen allele CA6650443.

ClinVar aggregate classification (germline): Uncertain significance. Review status: criteria provided, multiple submitters, no conflicts (2 of 4 stars). 3 submissions from 3 submitters: Uncertain significance (3). Last evaluated 2024-12-10.

Conditions:
Charcot-Marie-Tooth disease axonal type 2U. Also called: CHARCOT-MARIE-TOOTH NEUROPATHY, TYPE 2U; CHARCOT-MARIE-TOOTH DISEASE, AXONAL, AUTOSOMAL DOMINANT, TYPE 2U. Identifiers: Orphanet 397735, MedGen C4084821, MONDO:0014566, OMIM 616280.
Severe early-onset pulmonary alveolar proteinosis due to MARS deficiency. Also called: PULMONARY ALVEOLAR PROTEINOSIS, REUNION ISLAND; Interstitial lung and liver disease. Identifiers: Orphanet 440427, MedGen C4225400, MONDO:0014206, OMIM 615486.

Allele frequency attached by ClinVar (database versions not stated): TOPMed 0.00004.
gnomAD v4.1: 41 of 1,614,074 alleles (0.0025%); highest among the groups gnomAD compares: Middle Eastern, 0.033%; no homozygotes.

Submissions (3):

Labcorp Genetics (formerly Invitae), Labcorp
Classification: Uncertain significance for Charcot-Marie-Tooth disease axonal type 2U; Severe early-onset pulmonary alveolar proteinosis due to MARS deficiency. Last evaluated: 2024-12-10. Review status: criteria provided, single submitter. Criteria: Invitae Variant Classification Sherloc (09022015). Collection method: clinical testing. Allele origin: germline.
Comment: This sequence change replaces valine, which is neutral and non-polar, with methionine, which is neutral and non-polar, at codon 404 of the MARS protein (p.Val404Met). This variant is present in population databases (rs370559405, gnomAD 0.01%). This variant has not been reported in the literature in individuals affected with MARS-related conditions. ClinVar contains an entry for this variant (Variation ID: 444299). An algorithm developed to predict the effect of missense changes on protein structure and function outputs the following: PolyPhen-2: "Benign". The methionine amino acid residue is found in multiple mammalian species, which suggests that this missense change does not adversely affect protein function. In summary, the available evidence is currently insufficient to determine the role of this variant in disease. Therefore, it has been classified as a Variant of Uncertain Significance.

CeGaT Center for Human Genetics Tuebingen
Classification: Uncertain significance. Last evaluated: 2023-12-01. Review status: criteria provided, single submitter. Criteria: CeGaT Center For Human Genetics Tuebingen Variant Classification Criteria Version 2. Collection method: clinical testing. Allele origin: germline. Affected: yes. Observed: 2 variant alleles.
Comment: MARS1: PM2

Ambry Genetics
Classification: Uncertain significance. Last evaluated: 2023-04-20. Review status: criteria provided, single submitter. Criteria: Ambry Variant Classification Scheme 2023. Collection method: clinical testing. Allele origin: germline.